The following is an entry in ClinVar:

ClinVar aggregate classification (germline): Likely benign. Review status: criteria provided, multiple submitters, no conflicts (2 of 4 stars). 3 submissions from 3 submitters: Likely benign (3). Last evaluated 2025-12-24.

Conditions:
Hereditary cancer-predisposing syndrome. Also called: Tumor predisposition; Hereditary Cancer Syndrome; Neoplastic Syndromes, Hereditary; Hereditary neoplastic syndrome. Identifiers: Orphanet 140162, MedGen C0027672, MeSH D009386, MONDO:0015356.
Familial cancer of breast. Also called: BREAST CANCER, FAMILIAL; Hereditary breast cancer; hereditary breast carcinoma. Identifiers: Orphanet 227535, MedGen C0346153, MONDO:0016419, OMIM 114480. Disease mechanism: loss of function.

gnomAD v4.1: 1 of 1,588,466 alleles (0.000063%); no homozygotes.

Submissions (3):

Labcorp Genetics (formerly Invitae), Labcorp
Classification: Likely benign for Familial cancer of breast. Last evaluated: 2025-12-24. Review status: criteria provided, single submitter. Criteria: Invitae Variant Classification Sherloc (09022015). Collection method: clinical testing. Allele origin: germline.

Myriad Genetics, Inc.
Classification: Likely benign for Familial cancer of breast. Last evaluated: 2024-10-08. Review status: criteria provided, single submitter. Criteria: Myriad Autosomal Dominant, Autosomal Recessive and X-Linked Classification Criteria (2023). Collection method: clinical testing. Allele origin: unknown.
Comment: This variant is considered likely benign. This variant is intronic and is not expected to impact mRNA splicing.

Color Diagnostics, LLC DBA Color Health
Classification: Likely benign for Hereditary cancer-predisposing syndrome. Last evaluated: 2017-10-08. Review status: criteria provided, single submitter. Criteria: ACMG Guidelines, 2015. Collection method: clinical testing. Allele origin: germline.

NM_007194.4(CHEK2):c.1543-10T>C

Gene: CHEK2 (checkpoint kinase 2; minus strand). Cytogenetic location: 22q12.1.
Variant type: single nucleotide variant.
Coding change: c.1543-10T>C on transcript NM_007194.4 (MANE Select); 10 bases into the intron before coding-DNA position 1543, T replaced by C.
Molecular consequence: intron variant.
Genome position (GRCh38, 1-based): chr22:28,687,996, A>G on the plus strand (T>C on the coding strand, the complement: CHEK2 is on the minus strand). VCF-style: chr22-28687996-A-G. GRCh37 (hg19) VCF-style: chr22-29083984-A-G.
Other names: c.880-10T>C (NM_001437942.1, NM_001257387.3); c.1342-10T>C (NM_001349956.3); c.1456-10T>C (NM_145862.3); c.1549-10T>C (NM_001438295.1); c.1636-10T>C (NM_001438293.1); c.1585-10T>C (NM_001438294.1); c.1672-10T>C (NM_001005735.3).
Identifiers: ClinVar variation 627806 (VCV000627806.13), dbSNP rs1555911654, ClinGen allele CA913189014.